The following is an entry in ClinVar:

NM_022915.5(MRPL44):c.671C>T (p.Thr224Ile)

Gene: MRPL44 (mitochondrial ribosomal protein L44; plus strand). Cytogenetic location: 2q36.1.
Variant type: single nucleotide variant.
Coding change: c.671C>T on transcript NM_022915.5 (MANE Select); coding-DNA position 671, C replaced by T.
Protein change: p.Thr224Ile; replaces threonine 224 with isoleucine.
Molecular consequence: missense variant.
Genome position (GRCh38, 1-based): chr2:223,963,778, C>T. VCF-style: chr2-223963778-C-T. GRCh37 (hg19) VCF-style: chr2-224828495-C-T.
Other names: c.671C>T (NM_022915.3); short protein forms T224I.
Identifiers: ClinVar variation 1474012 (VCV001474012.7), dbSNP rs201186544, ClinGen allele CA2139095.

ClinVar aggregate classification (germline): Uncertain significance. Review status: criteria provided, multiple submitters, no conflicts (2 of 4 stars). 2 submissions from 2 submitters: Uncertain significance (2). Last evaluated 2023-01-25.

Conditions:
Inborn genetic diseases. Identifiers: MedGen C0950123, MeSH D030342.

Allele frequency attached by ClinVar (database versions not stated): TOPMed below 0.00001; gnomAD 0.00001; gnomAD exomes 0.00001 and 0.00002; ExAC 0.00003.
gnomAD v4.1: 19 of 1,603,116 alleles (0.0012%); highest among the groups gnomAD compares: South Asian, 0.0023%; no homozygotes.

Submissions (2):

Ambry Genetics
Classification: Uncertain significance for Inborn genetic diseases. Last evaluated: 2023-01-25. Review status: criteria provided, single submitter. Criteria: Ambry Variant Classification Scheme 2023. Collection method: clinical testing. Allele origin: germline.

Labcorp Genetics (formerly Invitae), Labcorp
Classification: Uncertain significance. Last evaluated: 2021-08-11. Review status: criteria provided, single submitter. Criteria: Invitae Variant Classification Sherloc (09022015). Collection method: clinical testing. Allele origin: germline.
Comment: In summary, the available evidence is currently insufficient to determine the role of this variant in disease. Therefore, it has been classified as a Variant of Uncertain Significance. Algorithms developed to predict the effect of missense changes on protein structure and function (SIFT, PolyPhen-2, Align-GVGD) all suggest that this variant is likely to be tolerated. This variant has not been reported in the literature in individuals affected with MRPL44-related conditions. This variant is present in population databases (rs201186544, ExAC 0.005%). This sequence change replaces threonine with isoleucine at codon 224 of the MRPL44 protein (p.Thr224Ile). The threonine residue is moderately conserved and there is a moderate physicochemical difference between threonine and isoleucine.